The following is an entry in ClinVar:

NM_000051.4(ATM):c.1873A>T (p.Asn625Tyr)

Gene: ATM (ATM serine/threonine kinase; plus strand). Cytogenetic location: 11q22.3.
Variant type: single nucleotide variant.
Coding change: c.1873A>T on transcript NM_000051.4 (MANE Select); coding-DNA position 1873, A replaced by T.
Protein change: p.Asn625Tyr; replaces asparagine 625 with tyrosine.
Molecular consequence: missense variant.
Genome position (GRCh38, 1-based): chr11:108,252,887, A>T. VCF-style: chr11-108252887-A-T. GRCh37 (hg19) VCF-style: chr11-108123614-A-T.
Other names: c.1873A>T, p.Asn625Tyr (NM_001351834.2); short protein forms N625Y.
Identifiers: ClinVar variation 961610 (VCV000961610.6), dbSNP rs2080231346, ClinGen allele CA382535982.
Genomic context (GRCh38, chr11:108,252,887, plus strand): 5'-CATCTTGTACTGGAGAAAATTCTTGTGAGTCTCACTATGAAAAACTGTAAAGCTGCAATG[A>T]ATTTTTTCCAAAGCGTGCCAGAATGGTATGTTATCTAATAATGCTCTTTATCATTTTAAG-3'
Protein context (NP_000042.3, residues 615-635): LTMKNCKAAM[Asn625Tyr]FFQSVPECEH

ClinVar aggregate classification (germline): Uncertain significance. Review status: criteria provided, multiple submitters, no conflicts (2 of 4 stars). 3 submissions from 3 submitters: Uncertain significance (3). Last evaluated 2026-05-18.

Conditions:
Hereditary cancer-predisposing syndrome. Also called: Hereditary Cancer Syndrome; Neoplastic Syndromes, Hereditary; Tumor predisposition; Hereditary neoplastic syndrome. Identifiers: Orphanet 140162, MedGen C0027672, MeSH D009386, MONDO:0015356.
Ataxia-telangiectasia syndrome (AT). Also called: LOUIS-BAR SYNDROME; Ataxia-telangiectasia, complementation group D; Cerebello-oculocutaneous telangiectasia; Immunodeficiency with ataxia telangiectasia; AT, COMPLEMENTATION GROUP C; ATAXIA-TELANGIECTASIA, COMPLEMENTATION GROUP A. Identifiers: Orphanet 100, MedGen C0004135, MONDO:0008840, OMIM 208900.

Allele frequency attached by ClinVar (database versions not stated): gnomAD exomes below 0.00001.
gnomAD v4.1: 1 of 1,612,780 alleles (0.000062%); highest among the groups gnomAD compares: Non-Finnish European, 0.000085%; no homozygotes.

Submissions (3):

Ambry Genetics
Classification: Uncertain significance for Hereditary cancer-predisposing syndrome. Last evaluated: 2026-05-18. Review status: criteria provided, single submitter. Criteria: Ambry Variant Classification Scheme 2023. Collection method: clinical testing. Allele origin: germline.
Comment: The p.N625Y variant (also known as c.1873A>T), located in coding exon 11 of the ATM gene, results from an A to T substitution at nucleotide position 1873. The asparagine at codon 625 is replaced by tyrosine, an amino acid with dissimilar properties. In an assay testing ATM function, this variant showed a functionally abnormal result (Lee KS et al. Cell, 2025 Sep;188:5081-5099.e27). This amino acid position is not well conserved in available vertebrate species. In addition, this alteration is predicted to be tolerated by in silico analysis. Based on the available evidence, the clinical significance of this variant remains unclear.

Quest Diagnostics Nichols Institute San Juan Capistrano
Classification: Uncertain significance. Last evaluated: 2025-03-04. Review status: criteria provided, single submitter. Criteria: Quest Diagnostics criteria. Collection method: clinical testing. Allele origin: unknown.

Labcorp Genetics (formerly Invitae), Labcorp
Classification: Uncertain significance for Ataxia-telangiectasia syndrome. Last evaluated: 2021-09-20. Review status: criteria provided, single submitter. Criteria: Invitae Variant Classification Sherloc (09022015). Collection method: clinical testing. Allele origin: germline.
Comment: In summary, the available evidence is currently insufficient to determine the role of this variant in disease. Therefore, it has been classified as a Variant of Uncertain Significance. Algorithms developed to predict the effect of missense changes on protein structure and function are either unavailable or do not agree on the potential impact of this missense change (SIFT: "Deleterious"; PolyPhen-2: "Benign"; Align-GVGD: "Class C0"). This variant has not been reported in the literature in individuals affected with ATM-related conditions. This variant is not present in population databases (ExAC no frequency). This sequence change replaces asparagine with tyrosine at codon 625 of the ATM protein (p.Asn625Tyr). The asparagine residue is weakly conserved and there is a large physicochemical difference between asparagine and tyrosine.

Literature cited by the submitters: PubMed 40580951 (cited by Ambry Genetics).